The following is an entry in ClinVar:

NM_024422.6(DSC2):c.1396G>C (p.Asp466His)

Gene: DSC2 (desmocollin 2; minus strand). Cytogenetic location: 18q12.1.
Variant type: single nucleotide variant.
Coding change: c.1396G>C on transcript NM_024422.6 (MANE Select); coding-DNA position 1396, G replaced by C.
Protein change: p.Asp466His; replaces aspartic acid 466 with histidine.
Molecular consequence: missense variant.
Genome position (GRCh38, 1-based): chr18:31,080,220, C>G on the plus strand (G>C on the coding strand, the complement: DSC2 is on the minus strand). VCF-style: chr18-31080220-C-G. GRCh37 (hg19) VCF-style: chr18-28660186-C-G.
Other names: c.967G>C, p.Asp323His (NM_001406506.1, NM_001406507.1); c.1396G>C, p.Asp466His (NM_004949.5); short protein forms D466H, D323H.
Identifiers: ClinVar variation 2134115 (VCV002134115.6), dbSNP rs2510947038, ClinGen allele CA402108591.

ClinVar aggregate classification (germline): Uncertain significance. Review status: criteria provided, multiple submitters, no conflicts (2 of 4 stars). 2 submissions from 2 submitters: Uncertain significance (2). Last evaluated 2024-03-07.

Conditions:
Cardiomyopathy (CMYO). Also called: Cardiomyopathies. Identifiers: Orphanet 167848, MedGen C0878544, MONDO:0004994, HP:0001638. Inheritance: Various modes of inheritance.
Arrhythmogenic right ventricular dysplasia 11. Also called: Arrhythmogenic right ventricular dysplasia 11 with mild palmoplantar keratoderma and woolly hair; Arrhythmogenic Right Ventricular Dysplasia/Cardiomyopathy11; ARRHYTHMOGENIC RIGHT VENTRICULAR DYSPLASIA, FAMILIAL, 11. Identifiers: MedGen C1864850, MONDO:0012506, OMIM 610476.

Submissions (2):

Color Diagnostics, LLC DBA Color Health
Classification: Uncertain significance for Cardiomyopathy. Last evaluated: 2024-03-07. Review status: criteria provided, single submitter. Criteria: ACMG Guidelines, 2015. Collection method: clinical testing. Allele origin: germline.
Comment: This missense variant replaces aspartic acid with histidine at codon 466 of the DSC2 protein. Computational prediction suggests that this variant may not impact protein structure and function (internally defined REVEL score threshold <= 0.5, PMID: 27666373). To our knowledge, functional studies have not been reported for this variant. This variant has not been reported in individuals affected with cardiovascular disorders in the literature. This variant has not been identified in the general population by the Genome Aggregation Database (gnomAD). The available evidence is insufficient to determine the role of this variant in disease conclusively. Therefore, this variant is classified as a Variant of Uncertain Significance.

Labcorp Genetics (formerly Invitae), Labcorp
Classification: Uncertain significance for Arrhythmogenic right ventricular dysplasia 11. Last evaluated: 2022-10-03. Review status: criteria provided, single submitter. Criteria: Invitae Variant Classification Sherloc (09022015). Collection method: clinical testing. Allele origin: germline.
Comment: This sequence change replaces aspartic acid, which is acidic and polar, with histidine, which is basic and polar, at codon 466 of the DSC2 protein (p.Asp466His). This variant is not present in population databases (gnomAD no frequency). This variant has not been reported in the literature in individuals affected with DSC2-related conditions. Advanced modeling of protein sequence and biophysical properties (such as structural, functional, and spatial information, amino acid conservation, physicochemical variation, residue mobility, and thermodynamic stability) performed at Invitae indicates that this missense variant is expected to disrupt DSC2 protein function. In summary, the available evidence is currently insufficient to determine the role of this variant in disease. Therefore, it has been classified as a Variant of Uncertain Significance.